The following is an entry in ClinVar:

NM_000264.5(PTCH1):c.133C>G (p.Pro45Ala)

Genes: PTCH1 (patched 1; minus strand), LOC130002133 (ATAC-STARR-seq lymphoblastoid silent region 20071; plus strand). Cytogenetic location: 9q22.32.
Variant type: single nucleotide variant.
Coding change: c.133C>G on transcript NM_000264.5 (MANE Select); coding-DNA position 133, C replaced by G.
Protein change: p.Pro45Ala; replaces proline 45 with alanine.
Molecular consequence: missense variant. On other transcripts: non-coding transcript variant (1), intron variant (3).
Genome position (GRCh38, 1-based): chr9:95,508,229, G>C on the plus strand (C>G on the coding strand, the complement: PTCH1 is on the minus strand). VCF-style: chr9-95508229-G-C. GRCh37 (hg19) VCF-style: chr9-98270511-G-C.
Other names: c.133C>G, p.Pro45Ala (NM_001354918.2); c.199-1630C>G (NM_001083603.3); c.4-1630C>G (NM_001083602.3, NM_001354919.2); short protein forms P45A.
Identifiers: ClinVar variation 1770319 (VCV001770319.6), dbSNP rs1843894066, ClinGen allele CA374121376.

ClinVar aggregate classification (germline): Uncertain significance. Review status: criteria provided, multiple submitters, no conflicts (2 of 4 stars). 3 submissions from 3 submitters: Uncertain significance (3). Last evaluated 2023-06-23.

Conditions:
Hereditary cancer-predisposing syndrome. Also called: Tumor predisposition; Neoplastic Syndromes, Hereditary; Hereditary Cancer Syndrome; Hereditary neoplastic syndrome. Identifiers: Orphanet 140162, MedGen C0027672, MeSH D009386, MONDO:0015356.
Basal cell carcinoma, susceptibility to, 1. Also called: BCC1. Identifiers: MedGen C2751544, MONDO:0011556, OMIM 605462.
Gorlin syndrome. Also called: Nevoid Basal Cell Carcinoma Syndrome; Basal cell nevus syndrome. Identifiers: Orphanet 377, MedGen C0004779, MONDO:0007187.

Submissions (3):

Baylor Genetics
Classification: Uncertain significance for Basal cell carcinoma, susceptibility to, 1. Last evaluated: 2023-06-23. Review status: criteria provided, single submitter. Criteria: ACMG Guidelines, 2015. Collection method: clinical testing. Allele origin: unknown.

Labcorp Genetics (formerly Invitae), Labcorp
Classification: Uncertain significance for Gorlin syndrome. Last evaluated: 2023-02-16. Review status: criteria provided, single submitter. Criteria: Invitae Variant Classification Sherloc (09022015). Collection method: clinical testing. Allele origin: germline.
Comment: Advanced modeling of protein sequence and biophysical properties (such as structural, functional, and spatial information, amino acid conservation, physicochemical variation, residue mobility, and thermodynamic stability) performed at Invitae indicates that this missense variant is not expected to disrupt PTCH1 protein function. In summary, the available evidence is currently insufficient to determine the role of this variant in disease. Therefore, it has been classified as a Variant of Uncertain Significance. ClinVar contains an entry for this variant (Variation ID: 1770319). This variant has not been reported in the literature in individuals affected with PTCH1-related conditions. This variant is not present in population databases (gnomAD no frequency). This sequence change replaces proline, which is neutral and non-polar, with alanine, which is neutral and non-polar, at codon 45 of the PTCH1 protein (p.Pro45Ala).

Ambry Genetics
Classification: Uncertain significance for Hereditary cancer-predisposing syndrome. Last evaluated: 2022-06-24. Review status: criteria provided, single submitter. Criteria: Ambry Variant Classification Scheme 2023. Collection method: clinical testing. Allele origin: germline.
Comment: The p.P45A variant (also known as c.133C>G), located in coding exon 1 of the PTCH1 gene, results from a C to G substitution at nucleotide position 133. The proline at codon 45 is replaced by alanine, an amino acid with highly similar properties. This amino acid position is conserved. In addition, this alteration is predicted to be tolerated by in silico analysis. Since supporting evidence is limited at this time, the clinical significance of this alteration remains unclear.